The following is an entry in ClinVar:

ClinVar aggregate classification (germline): Likely benign. Review status: criteria provided, multiple submitters, no conflicts (2 of 4 stars). 3 submissions from 3 submitters: Likely benign (3). Last evaluated 2024-07-29.

Conditions:
RYR1-related disorder. Also called: RYR1-related disorders; RYR1-related condition. Identifiers: MedGen CN239331.
Malignant hyperthermia, susceptibility to, 1 (MHS1). Also called: Anesthesia related hyperthermia; Malignant hyperpyrexia; Fulminating hyperpyrexia; Pharmacogenic myopathy; RYR1-Related Malignant Hyperthermia Susceptibility; Malignant hyperthermia suceptibility 1. Identifiers: Orphanet 423, MedGen C2930980, MONDO:0007783, OMIM 145600.

gnomAD v4.1: 12 of 1,556,910 alleles (0.00077%); highest among the groups gnomAD compares: African/African-American, 0.0014%; no homozygotes.

Submissions (3):

All of Us Research Program, National Institutes of Health
Classification: Likely benign for Malignant hyperthermia, susceptibility to, 1. Last evaluated: 2024-07-29. Review status: criteria provided, single submitter. Criteria: ACMG Guidelines, 2015. Collection method: clinical testing. Allele origin: germline. Inheritance: Autosomal dominant inheritance. Observed: 3 variant alleles, 3 heterozygotes.
Comment: This study involves interpretation of variants in research participants for the purpose of population health screening. Participant phenotype was not available at the time of variant classification. Additional details can be found in publication PMID: 35346344, PMCID: PMC8962531

Labcorp Genetics (formerly Invitae), Labcorp
Classification: Likely benign for RYR1-related disorder. Last evaluated: 2024-07-06. Review status: criteria provided, single submitter. Criteria: Invitae Variant Classification Sherloc (09022015). Collection method: clinical testing. Allele origin: germline.

Color Diagnostics, LLC DBA Color Health
Classification: Likely benign for Malignant hyperthermia, susceptibility to, 1. Last evaluated: 2022-11-06. Review status: criteria provided, single submitter. Criteria: ACMG Guidelines, 2015. Collection method: clinical testing. Allele origin: germline.

NM_000540.3(RYR1):c.4038C>T (p.Asn1346=)

Gene: RYR1 (ryanodine receptor 1; plus strand). Cytogenetic location: 19q13.2.
Variant type: single nucleotide variant.
Coding change: c.4038C>T on transcript NM_000540.3 (MANE Select); coding-DNA position 4038, C replaced by T.
Protein change: p.Asn1346=; no amino-acid change (asparagine 1346 retained).
Molecular consequence: synonymous variant.
Genome position (GRCh38, 1-based): chr19:38,473,649, C>T. VCF-style: chr19-38473649-C-T. GRCh37 (hg19) VCF-style: chr19-38964289-C-T.
Other names: c.4038C>T, p.Asn1346= (NM_001042723.2).
Identifiers: ClinVar variation 1091349 (VCV001091349.11), dbSNP rs777049924, ClinGen allele CA507353180.